The following is an entry in ClinVar:

ClinVar aggregate classification (germline): Pathogenic (1 of 4 stars; one submission).

Submission:

Labcorp Genetics (formerly Invitae), Labcorp
Classification: Pathogenic. Last evaluated: 2022-03-05. Review status: criteria provided, single submitter. Criteria: Invitae Variant Classification Sherloc (09022015). Collection method: clinical testing. Allele origin: germline.
Comment: For these reasons, this variant has been classified as Pathogenic. Algorithms developed to predict the effect of sequence changes on RNA splicing suggest that this variant may disrupt the consensus splice site. This variant has not been reported in the literature in individuals affected with COL4A3-related conditions. This variant is not present in population databases (gnomAD no frequency). This sequence change creates a premature translational stop signal (p.Gly1051Glufs*103) in the COL4A3 gene. It is expected to result in an absent or disrupted protein product. Loss-of-function variants in COL4A3 are known to be pathogenic (PMID: 8956999, 24854265, 26809805, 27281700).

Literature cited by the submitters: PubMed 8956999; PubMed 24854265; PubMed 26809805; PubMed 27281700.

NM_000091.5(COL4A3):c.3152del (p.Gly1051fs)

Genes: COL4A3 (collagen type IV alpha 3 chain; plus strand), MFF-DT (MFF divergent transcript; minus strand). Cytogenetic location: 2q36.3.
Variant type: Deletion.
Coding change: c.3152del on transcript NM_000091.5 (MANE Select); coding-DNA position 3152, one base deleted (G; older notation c.3152delG).
Protein change: p.Gly1051fs; shifts the reading frame from glycine 1051.
Molecular consequence: frameshift variant.
Genome position (GRCh38, 1-based): chr2:227,290,828, G deleted; the last of 3 consecutive G bases (chr2:227,290,826-227,290,828); deleting any one gives the same sequence. VCF-style (leftmost placement, unchanged base first): chr2-227290825-AG-A. GRCh37 (hg19) VCF-style: chr2-228155541-AG-A.
Other names: short protein forms G1051fs.
Identifiers: ClinVar variation 1977306 (VCV001977306.5), dbSNP rs2469829167, ClinGen allele CA2580065942.
Genomic context (GRCh38, chr2:227,290,825, plus strand): 5'-GAACTTTGGGATTCCCAGGTCGAGCAGGAAGACCAGGCCTCCCAGGTATTCATGGTCTCC[AG>A]GGAGATAAGGGAGAGCCAGGTTATTCAGAAGGTACAAGGCCAGGACCACCGGGACCAACG-3'